The following is an entry in ClinVar:

ClinVar aggregate classification (germline): Likely pathogenic. Review status: criteria provided, multiple submitters, no conflicts (2 of 4 stars). 2 submissions from 2 submitters: Likely pathogenic (2). Last evaluated 2025-10-26.

Conditions:
Congenital myasthenic syndrome 9. Also called: Myasthenic syndrome, congenital, 9, associated with acetylcholine receptor deficiency. Identifiers: Orphanet 590, MedGen C4225368, MONDO:0014587, OMIM 616325.
Fetal akinesia deformation sequence 1 (FADS1). Also called: Pena-Shokeir syndrome type I; Fetal akinesia sequence. Identifiers: Orphanet 994, MedGen C1276035, MONDO:0100101, OMIM 208150, HP:0001989.
MUSK-related disorder. Also called: MUSK-related condition; MUSK-related disorders.

Allele frequency attached by ClinVar (database versions not stated): ExAC 0.00002.
gnomAD v4.1: 15 of 1,612,810 alleles (0.00093%); highest among the groups gnomAD compares: Non-Finnish European, 0.0012%; no homozygotes.

Submissions (2):

Labcorp Genetics (formerly Invitae), Labcorp
Classification: Likely pathogenic for Congenital myasthenic syndrome 9; Fetal akinesia deformation sequence 1. Last evaluated: 2025-10-26. Review status: criteria provided, single submitter. Criteria: Invitae Variant Classification Sherloc (09022015). Collection method: clinical testing. Allele origin: germline.
Comment: This sequence change replaces aspartic acid, which is acidic and polar, with glutamic acid, which is acidic and polar, at codon 38 of the MUSK protein (p.Asp38Glu). This variant is present in population databases (rs775587809, gnomAD 0.004%). This missense change has been observed in individual(s) with MUSK-related conditions (PMID: 24183479, 32453097). In at least one individual the data is consistent with being in trans (on the opposite chromosome) from a pathogenic variant. It has also been observed to segregate with disease in related individuals. ClinVar contains an entry for this variant (Variation ID: 2949331). Invitae Evidence Modeling of protein sequence and biophysical properties (such as structural, functional, and spatial information, amino acid conservation, physicochemical variation, residue mobility, and thermodynamic stability) indicates that this missense variant is not expected to disrupt MUSK protein function with a negative predictive value of 95%. This variant disrupts the p.Asp38 amino acid residue in MUSK. Other variant(s) that disrupt this residue have been observed in individuals with MUSK-related conditions (PMID: 35587316), which suggests that this may be a clinically significant amino acid residue. In summary, the currently available evidence indicates that the variant is pathogenic, but additional data are needed to prove that conclusively. Therefore, this variant has been classified as Likely Pathogenic.

Women's Health and Genetics/Laboratory Corporation of America, LabCorp
Classification: Likely pathogenic for MUSK-Related Disorders. Last evaluated: 2025-04-10. Review status: criteria provided, single submitter. Criteria: LabCorp Variant Classification Summary - May 2015. Collection method: clinical testing. Allele origin: germline.
Comment: Variant summary: MUSK c.114T>A (p.Asp38Glu) results in a conservative amino acid change in the encoded protein sequence. Three of five in-silico tools predict a benign effect of the variant on protein function. The variant allele was found at a frequency of 1.6e-05 in 249028 control chromosomes. c.114T>A has been observed in individual(s) affected with MUSK-Related Disorders (Gallenmuller_2014, Ostos_2020). These data indicate that the variant is likely to be associated with disease. To our knowledge, no experimental evidence demonstrating an impact on protein function has been reported. The following publications have been ascertained in the context of this evaluation (PMID: 24183479, 32453097). ClinVar contains an entry for this variant (Variation ID: 2949331). Based on the evidence outlined above, the variant was classified as likely pathogenic.

Literature cited by the submitters: PubMed 24183479 (cited by Labcorp Genetics (formerly Invitae), Labcorp and Women's Health and Genetics/Laboratory Corporation of America, LabCorp); PubMed 32453097 (cited by Labcorp Genetics (formerly Invitae), Labcorp and Women's Health and Genetics/Laboratory Corporation of America, LabCorp); PubMed 35587316 (cited by Labcorp Genetics (formerly Invitae), Labcorp).

NM_005592.4(MUSK):c.114T>A (p.Asp38Glu)

Gene: MUSK (muscle associated receptor tyrosine kinase; plus strand). Cytogenetic location: 9q31.3.
Variant type: single nucleotide variant.
Coding change: c.114T>A on transcript NM_005592.4 (MANE Select); coding-DNA position 114, T replaced by A.
Protein change: p.Asp38Glu; replaces aspartic acid 38 with glutamic acid.
Molecular consequence: missense variant.
Genome position (GRCh38, 1-based): chr9:110,682,708, T>A. VCF-style: chr9-110682708-T-A. GRCh37 (hg19) VCF-style: chr9-113444988-T-A.
Other names: c.114T>A, p.Asp38Glu (NM_001166280.2, NM_001166281.2); short protein forms D38E.
Identifiers: ClinVar variation 2949331 (VCV002949331.5), dbSNP rs775587809, ClinGen allele CA5183928.